The following is an entry in ClinVar:

ClinVar aggregate classification (germline): Uncertain significance. Review status: criteria provided, multiple submitters, no conflicts (2 of 4 stars). 2 submissions from 2 submitters: Uncertain significance (2). Last evaluated 2025-08-09.

Conditions:
Familial focal epilepsy with variable foci (FPEVF). Identifiers: Orphanet 98820, MedGen C1858477, MONDO:0020310.
Inborn genetic diseases. Identifiers: MedGen C0950123, MeSH D030342.

Allele frequency attached by ClinVar (database versions not stated): gnomAD exomes below 0.00001.
gnomAD v4.1: 5 of 1,614,180 alleles (0.00031%); highest among the groups gnomAD compares: Non-Finnish European, 0.00042%; no homozygotes.

Submissions (2):

Ambry Genetics
Classification: Uncertain significance for Inborn genetic diseases. Last evaluated: 2025-08-09. Review status: criteria provided, single submitter. Criteria: Ambry Variant Classification Scheme 2023. Collection method: clinical testing. Allele origin: germline.

Labcorp Genetics (formerly Invitae), Labcorp
Classification: Uncertain significance for Familial focal epilepsy with variable foci. Last evaluated: 2023-07-17. Review status: criteria provided, single submitter. Criteria: Invitae Variant Classification Sherloc (09022015). Collection method: clinical testing. Allele origin: germline.
Comment: In summary, the available evidence is currently insufficient to determine the role of this variant in disease. Therefore, it has been classified as a Variant of Uncertain Significance. Experimental studies and prediction algorithms are not available or were not evaluated, and the functional significance of this variant is currently unknown. ClinVar contains an entry for this variant (Variation ID: 863140). This variant has not been reported in the literature in individuals affected with DEPDC5-related conditions. This variant is not present in population databases (gnomAD no frequency). This sequence change replaces glutamic acid, which is acidic and polar, with lysine, which is basic and polar, at codon 979 of the DEPDC5 protein (p.Glu979Lys).

NM_001242896.3(DEPDC5):c.2935G>A (p.Glu979Lys)

Gene: DEPDC5 (DEP domain containing 5, GATOR1 subcomplex subunit; plus strand). Cytogenetic location: 22q12.3.
Variant type: single nucleotide variant.
Coding change: c.2935G>A on transcript NM_001242896.3 (MANE Select); coding-DNA position 2935, G replaced by A.
Protein change: p.Glu979Lys; replaces glutamic acid 979 with lysine.
Molecular consequence: missense variant. On other transcripts: non-coding transcript variant (5).
Genome position (GRCh38, 1-based): chr22:31,845,151, G>A. VCF-style: chr22-31845151-G-A. GRCh37 (hg19) VCF-style: chr22-32241137-G-A.
Other names: c.2908G>A, p.Glu970Lys (NM_001136029.4, NM_001369903.1, NM_014662.6); c.2701G>A, p.Glu901Lys (NM_001242897.2, NM_001363854.2, NM_001364319.2); c.2935G>A, p.Glu979Lys (NM_001363852.2, NM_001364318.2, NM_001364320.2); c.2851G>A, p.Glu951Lys (NM_001369901.1, NM_001369902.1); short protein forms E970K, E901K, E979K, E951K.
Identifiers: ClinVar variation 863140 (VCV000863140.10), dbSNP rs2091651367, ClinGen allele CA411291256.
Genomic context (GRCh38, chr22:31,845,151, plus strand): 5'-ATCACGGAGGGGGAGGCCCACTGCGACATCTATGGGGACAGGCCCCGTGCAGACGAGGAC[G>A]AGTGGCAACTCCTGGATGGTTTTGTCCGCTTTGTGGAGGGCTTGAATCGCATTCGCAGGC-3'
Protein context (NP_001229825.1, residues 969-989): YGDRPRADED[Glu979Lys]WQLLDGFVRF